The following is an entry in ClinVar:

NM_007294.4(BRCA1):c.2853_2854insA (p.Phe952fs)

Gene: BRCA1 (BRCA1 DNA repair associated; minus strand). Cytogenetic location: 17q21.31.
Variant type: Insertion.
Coding change: c.2853_2854insA on transcript NM_007294.4 (MANE Select); coding-DNA positions 2853 to 2854, A inserted.
Protein change: p.Phe952fs; shifts the reading frame from phenylalanine 952.
Molecular consequence: frameshift variant. On other transcripts: intron variant (137).
Genome position: GRCh38 VCF-style: chr17-43092677-A-AT. GRCh37 (hg19) VCF-style: chr17-41244694-A-AT.
Other names: c.2850_2851insA, p.Phe951fs (NM_001407632.1, NM_001407633.1, NM_001407634.1 and 22 more transcripts); c.2853_2854insA, p.Phe952fs (NM_001407639.1, NM_001407640.1, NM_001407641.1 and 30 more transcripts); c.2844_2845insA, p.Phe949fs (NM_001407646.1, NM_001407647.1); c.2730_2731insA, p.Phe911fs (NM_001407648.1, NM_001407664.1, NM_001407665.1 and 19 more transcripts); c.2520_2521insA, p.Phe841fs (NM_001407952.1, NM_001407946.1, NM_001407947.1 and 6 more transcripts); c.2775_2776insA, p.Phe926fs (NM_001407653.1, NM_001407654.1, NM_001407655.1 and 4 more transcripts); c.2727_2728insA, p.Phe910fs (NM_001407649.1, NM_001407670.1, NM_001407671.1 and 11 more transcripts); c.2640_2641insA, p.Phe881fs (NM_001407571.1, NM_001407853.1, NM_001407894.1 and 9 more transcripts); and 41 more; short protein forms F784fs, F840fs, F841fs, F864fs, F882fs, F885fs, F905fs, F925fs.
Identifiers: ClinVar variation 3661517 (VCV003661517.2).

ClinVar aggregate classification (germline): Pathogenic (1 of 4 stars; one submission).

Conditions:
Hereditary breast ovarian cancer syndrome. Also called: Hereditary breast and ovarian cancer syndrome; Hereditary breast and/or ovarian cancer syndrome; Hereditary breast and ovarian cancer; Breast and ovarian cancer; Hereditary breast and ovarian cancer syndrome (HBOC); BRCA1- and BRCA2-Associated Hereditary Breast and Ovarian Cancer. Identifiers: Orphanet 145, MedGen C0677776, MeSH D061325, MONDO:0003582. Disease mechanism: loss of function.

Submission:

Labcorp Genetics (formerly Invitae), Labcorp
Classification: Pathogenic for Hereditary breast ovarian cancer syndrome. Last evaluated: 2024-08-06. Review status: criteria provided, single submitter. Criteria: Invitae Variant Classification Sherloc (09022015). Collection method: clinical testing. Allele origin: germline.
Comment: This sequence change creates a premature translational stop signal (p.Phe952Ilefs*19) in the BRCA1 gene. It is expected to result in an absent or disrupted protein product. Loss-of-function variants in BRCA1 are known to be pathogenic (PMID: 20104584). This variant is not present in population databases (gnomAD no frequency). This variant has not been reported in the literature in individuals affected with BRCA1-related conditions. For these reasons, this variant has been classified as Pathogenic.

Literature cited by the submitters: PubMed 20104584.